The following is an entry in ClinVar:

NM_003737.4(DCHS1):c.2095C>A (p.Pro699Thr)

Gene: DCHS1 (dachsous cadherin-related 1; minus strand). Cytogenetic location: 11p15.4.
Variant type: single nucleotide variant.
Coding change: c.2095C>A on transcript NM_003737.4 (MANE Select); coding-DNA position 2095, C replaced by A.
Protein change: p.Pro699Thr; replaces proline 699 with threonine.
Molecular consequence: missense variant.
Genome position (GRCh38, 1-based): chr11:6,633,912, G>T on the plus strand (C>A on the coding strand, the complement: DCHS1 is on the minus strand). VCF-style: chr11-6633912-G-T. GRCh37 (hg19) VCF-style: chr11-6655143-G-T.
Other names: short protein forms P699T.
Identifiers: ClinVar variation 2162759 (VCV002162759.28), dbSNP rs759668003, ClinGen allele CA5860810.
Genomic context (GRCh38, chr11:6,633,912, plus strand): 5'-GCCCATGGGATCCCTGGTCAGGGTCATGGGCACGCAACCTCAGCACAGCTGTGCCTGGTG[G>T]ACTCTGGGCACTTATACTGGCAGCATACTCCCGTGGATAAAACTGAGGAGGGTTGTCATT-3'
Protein context (NP_003728.1, residues 689-709): EYAASISAQS[Pro699Thr]PGTAVLRLRA

ClinVar aggregate classification (germline): Uncertain significance. Review status: criteria provided, multiple submitters, no conflicts (2 of 4 stars). 2 submissions from 2 submitters: Uncertain significance (2). Last evaluated 2025-11-01.

Allele frequency attached by ClinVar (database versions not stated): TOPMed 0.00001; ExAC 0.00002; gnomAD exomes 0.00002.
gnomAD v4.1: 31 of 1,614,032 alleles (0.0019%); highest among the groups gnomAD compares: Non-Finnish European, 0.0026%; no homozygotes.

Submissions (2):

Labcorp Genetics (formerly Invitae), Labcorp
Classification: Uncertain significance. Last evaluated: 2025-11-01. Review status: criteria provided, single submitter. Criteria: Invitae Variant Classification Sherloc (09022015). Collection method: clinical testing. Allele origin: germline.
Comment: This sequence change replaces proline, which is neutral and non-polar, with threonine, which is neutral and polar, at codon 699 of the DCHS1 protein (p.Pro699Thr). This variant is present in population databases (rs759668003, gnomAD 0.006%). This variant has not been reported in the literature in individuals affected with DCHS1-related conditions. ClinVar contains an entry for this variant (Variation ID: 2162759). Invitae Evidence Modeling of protein sequence and biophysical properties (such as structural, functional, and spatial information, amino acid conservation, physicochemical variation, residue mobility, and thermodynamic stability) indicates that this missense variant is not expected to disrupt DCHS1 protein function with a negative predictive value of 80%. In summary, the available evidence is currently insufficient to determine the role of this variant in disease. Therefore, it has been classified as a Variant of Uncertain Significance.

CeGaT Center for Human Genetics Tuebingen
Classification: Uncertain significance. Last evaluated: 2022-08-01. Review status: criteria provided, single submitter. Criteria: CeGaT Center For Human Genetics Tuebingen Variant Classification Criteria Version 2. Collection method: clinical testing. Allele origin: germline. Affected: yes. Observed: 1 variant allele.
Comment: DCHS1: PM2, BP4